The following is an entry in ClinVar:

ClinVar aggregate classification (germline): Benign. Review status: criteria provided, multiple submitters, no conflicts (2 of 4 stars). 4 submissions from 4 submitters: Benign (4). Last evaluated 2024-07-15.

Conditions:
Focal segmental glomerulosclerosis 1 (FSGS1). Identifiers: Orphanet 656, MedGen C4551527, MONDO:0011303, OMIM 603278.

Allele frequency attached by ClinVar (database versions not stated): 1000 Genomes Project 30x 0.26655; 1000 Genomes Project 0.27276; TOPMed 0.32286.
gnomAD v4.1: 605,364 of 1,171,018 alleles (52%); highest among the groups gnomAD compares: East Asian, 58%; 151,168 homozygotes.

Submissions (4):

Unidad de Genómica Garrahan, Hospital de Pediatría Garrahan
Classification: Benign. Last evaluated: 2024-07-15. Review status: criteria provided, single submitter. Criteria: ACMG Guidelines, 2015. Collection method: clinical testing. Allele origin: germline. Affected: no. Observed: 39 variant alleles.
Comment: This variant is classified as Benign based on local population frequency. This variant was detected in 42% of patients studied in a panel designed for Epileptic and Developmental Encephalopathy and Progressive Myoclonus Epilepsy. Number of patients: 39. Only high quality variants are reported.

Genome-Nilou Lab
Classification: Benign for Focal segmental glomerulosclerosis 1. Last evaluated: 2021-12-05. Review status: criteria provided, single submitter. Criteria: ACMG Guidelines, 2015. Collection method: clinical testing. Allele origin: germline. Affected: no.

GeneDx
Classification: Benign. Last evaluated: 2018-07-09. Review status: criteria provided, single submitter. Criteria: GeneDx Variant Classification Process June 2021. Collection method: clinical testing. Allele origin: germline. Affected: yes.

Breakthrough Genomics
Classification: Benign. Review status: criteria provided, single submitter. Criteria: ACMG Guidelines, 2015. Collection method: not provided. Allele origin: germline. Inheritance: Autosomal dominant inheritance. Affected: yes.

NM_004924.6(ACTN4):c.162+61T>C

Genes: ACTN4 (actinin alpha 4; plus strand), LOC130064361 (ATAC-STARR-seq lymphoblastoid silent region 10579; plus strand). Cytogenetic location: 19q13.2.
Variant type: single nucleotide variant.
Coding change: c.162+61T>C on transcript NM_004924.6 (MANE Select); 61 bases into the intron after coding-DNA position 162, T replaced by C.
Molecular consequence: intron variant.
Genome position (GRCh38, 1-based): chr19:38,647,968, T>C. VCF-style: chr19-38647968-T-C. GRCh37 (hg19) VCF-style: chr19-39138608-T-C.
Other names: c.162+61T>C (NM_001322033.2).
Identifiers: ClinVar variation 1269337 (VCV001269337.5), dbSNP rs2303040, ClinGen allele CA14737676.